The following is an entry in ClinVar:

ClinVar aggregate classification (germline): Likely pathogenic (1 of 4 stars; one submission).

Conditions:
FGFR1-related disorder. Also called: FGFR1-related disorders; FGFR1-related condition. Identifiers: MedGen CN380097.

Submission:

PreventionGenetics, part of Exact Sciences
Classification: Likely pathogenic for FGFR1-related condition. Last evaluated: 2022-10-27. Review status: criteria provided, single submitter. Criteria: ACMG Guidelines, 2015. Collection method: clinical testing. Allele origin: germline.
Comment: The FGFR1 c.280_283delGCAG variant is predicted to result in a frameshift and premature protein termination (p.Ala94Thrfs*8). To our knowledge, this variant has not been reported in the literature or in a large population database, indicating this variant is rare. Frameshift variants in FGFR1 are expected to be pathogenic. This variant is interpreted as likely pathogenic.

NM_023110.3(FGFR1):c.280_283del (p.Ala94fs)

Gene: FGFR1 (fibroblast growth factor receptor 1; minus strand). Cytogenetic location: 8p11.23.
Variant type: Deletion.
Coding change: c.280_283del on transcript NM_023110.3 (MANE Select); coding-DNA positions 280 to 283, 4 bases deleted (GCAG; older notation c.280_283delGCAG).
Protein change: p.Ala94fs; shifts the reading frame from alanine 94.
Molecular consequence: frameshift variant. On other transcripts: intron variant (5).
Genome position (GRCh38, 1-based): chr8:38,429,757-38,429,760, CTGC deleted on the plus strand (GCAG on the coding strand, the reverse complement: FGFR1 is on the minus strand). VCF-style (leftmost placement, unchanged base first): chr8-38429756-TCTGC-T. GRCh37 (hg19) VCF-style: chr8-38287274-TCTGC-T.
Other names: c.280_283delGCAG, p.Ala94Thrfs (NM_000604.2); c.280_283del, p.Ala94fs (NM_001174063.2, NM_001174065.2, NM_001354367.2 and 3 more transcripts); c.256_259del, p.Ala86fs (NM_001174064.2); c.379_382del, p.Ala127fs (NM_001174067.2); c.92-1325_92-1322del (NM_001354368.2, NM_001354370.2, NM_023106.3 and 2 more transcripts); short protein forms A127fs, A86fs, A94fs.
Identifiers: ClinVar variation 2637130 (VCV002637130.1), dbSNP rs2537262005, ClinGen allele CA2695199671.